The following is an entry in ClinVar:

ClinVar aggregate classification (germline): Uncertain significance (1 of 4 stars; one submission).

Conditions:
Familial cold autoinflammatory syndrome 3 (FCAS3). Also called: FAMILIAL ATYPICAL COLD URTICARIA; ANTIBODY DEFICIENCY AND IMMUNE DYSREGULATION, PLCG2-ASSOCIATED. Identifiers: Orphanet 300359, MedGen C3280914, MONDO:0013766, OMIM 614468.

Submission:

Labcorp Genetics (formerly Invitae), Labcorp
Classification: Uncertain significance for Familial cold autoinflammatory syndrome 3. Last evaluated: 2023-08-25. Review status: criteria provided, single submitter. Criteria: Invitae Variant Classification Sherloc (09022015). Collection method: clinical testing. Allele origin: germline.
Comment: This sequence change replaces serine, which is neutral and polar, with isoleucine, which is neutral and non-polar, at codon 437 of the PLCG2 protein (p.Ser437Ile). This variant is not present in population databases (gnomAD no frequency). This variant has not been reported in the literature in individuals affected with PLCG2-related conditions. An algorithm developed to predict the effect of missense changes on protein structure and function (PolyPhen-2) suggests that this variant is likely to be tolerated. In summary, the available evidence is currently insufficient to determine the role of this variant in disease. Therefore, it has been classified as a Variant of Uncertain Significance.

NM_002661.5(PLCG2):c.1310G>T (p.Ser437Ile)

Gene: PLCG2 (phospholipase C gamma 2; plus strand). Cytogenetic location: 16q23.3.
Variant type: single nucleotide variant.
Coding change: c.1310G>T on transcript NM_002661.5 (MANE Select); coding-DNA position 1310, G replaced by T.
Protein change: p.Ser437Ile; replaces serine 437 with isoleucine.
Molecular consequence: missense variant.
Genome position (GRCh38, 1-based): chr16:81,900,728, G>T. VCF-style: chr16-81900728-G-T. GRCh37 (hg19) VCF-style: chr16-81934333-G-T.
Other names: c.1310G>T, p.Ser437Ile (NM_001425749.1, NM_001425750.1, NM_001425751.1); short protein forms S437I.
Identifiers: ClinVar variation 2885865 (VCV002885865.3), dbSNP rs2507645117, ClinGen allele CA396899443.